The following is an entry in ClinVar:

NM_000142.5(FGFR3):c.127C>T (p.Pro43Ser)

Gene: FGFR3 (fibroblast growth factor receptor 3; plus strand). Cytogenetic location: 4p16.3.
Variant type: single nucleotide variant.
Coding change: c.127C>T on transcript NM_000142.5 (MANE Select); coding-DNA position 127, C replaced by T.
Protein change: p.Pro43Ser; replaces proline 43 with serine.
Molecular consequence: missense variant. On other transcripts: non-coding transcript variant (1).
Genome position (GRCh38, 1-based): chr4:1,799,271, C>T. VCF-style: chr4-1799271-C-T. GRCh37 (hg19) VCF-style: chr4-1800998-C-T.
Other names: c.127C>T, p.Pro43Ser (NM_001163213.2, NM_001354809.2, NM_001354810.2 and 1 more transcripts); short protein forms P43S.
Identifiers: ClinVar variation 3390710 (VCV003390710.1).

ClinVar aggregate classification (germline): Uncertain significance (1 of 4 stars; one submission).

gnomAD v4.1: 6 of 1,612,486 alleles (0.00037%); highest among the groups gnomAD compares: African/African-American, 0.0013%; no homozygotes.

Submission:

GeneDx
Classification: Uncertain significance. Last evaluated: 2024-06-11. Review status: criteria provided, single submitter. Criteria: GeneDx Variant Classification Process June 2021. Collection method: clinical testing. Allele origin: germline. Affected: yes.
Comment: Not observed at significant frequency in large population cohorts (gnomAD); In silico analysis indicates that this missense variant does not alter protein structure/function; Has not been previously published as pathogenic or benign to our knowledge